The following is an entry in ClinVar:

NM_014363.6(SACS):c.6218del (p.Arg2073fs)

Gene: SACS (sacsin molecular chaperone; minus strand). Cytogenetic location: 13q12.12.
Variant type: Deletion.
Coding change: c.6218del on transcript NM_014363.6 (MANE Select); coding-DNA position 6218, one base deleted (G; older notation c.6218delG).
Protein change: p.Arg2073fs; shifts the reading frame from arginine 2073.
Molecular consequence: frameshift variant.
Genome position (GRCh38, 1-based): chr13:23,337,658, C deleted on the plus strand (G on the coding strand, the reverse complement: SACS is on the minus strand). VCF-style (leftmost placement, unchanged base first): chr13-23337657-TC-T. GRCh37 (hg19) VCF-style: chr13-23911796-TC-T.
Other names: c.5777del, p.Arg1926fs (NM_001278055.2); short protein forms R1926fs, R2073fs.
Identifiers: ClinVar variation 2023512 (VCV002023512.4), dbSNP rs2542253412, ClinGen allele CA2580086847.

ClinVar aggregate classification (germline): Pathogenic (1 of 4 stars; one submission).

Conditions:
Spastic paraplegia. Identifiers: MedGen C0037772, HP:0001258.

Submission:

Labcorp Genetics (formerly Invitae), Labcorp
Classification: Pathogenic for Spastic paraplegia. Last evaluated: 2022-08-10. Review status: criteria provided, single submitter. Criteria: Invitae Variant Classification Sherloc (09022015). Collection method: clinical testing. Allele origin: germline.
Comment: This sequence change creates a premature translational stop signal (p.Arg2073Lysfs*4) in the SACS gene. While this is not anticipated to result in nonsense mediated decay, it is expected to disrupt the last 2507 amino acid(s) of the SACS protein. For these reasons, this variant has been classified as Pathogenic. This variant disrupts a region of the SACS protein in which other variant(s) (p.Asn4549Asp) have been determined to be pathogenic (PMID: 15156359, 21507954). This suggests that this is a clinically significant region of the protein, and that variants that disrupt it are likely to be disease-causing. This variant has not been reported in the literature in individuals affected with SACS-related conditions. This variant is not present in population databases (gnomAD no frequency).

Literature cited by the submitters: PubMed 15156359; PubMed 21507954.